The following is an entry in ClinVar:

ClinVar aggregate classification (germline): Likely pathogenic (1 of 4 stars; one submission).

Submission:

Labcorp Genetics (formerly Invitae), Labcorp
Classification: Likely pathogenic. Last evaluated: 2025-01-28. Review status: criteria provided, single submitter. Criteria: Invitae Variant Classification Sherloc (09022015). Collection method: clinical testing. Allele origin: germline.
Comment: This sequence change replaces isoleucine, which is neutral and non-polar, with phenylalanine, which is neutral and non-polar, at codon 237 of the NKX2-1 protein (p.Ile237Phe). This variant is not present in population databases (gnomAD no frequency). This missense change has been observed in individual(s) with clinical features of NKX2-1-related conditions (PMID: 18957494). In at least one individual the variant was observed to be de novo. This variant is also known as p.Ile207Phe. An algorithm developed to predict the effect of missense changes on protein structure and function (PolyPhen-2) suggests that this variant is likely to be disruptive. Experimental studies have shown that this missense change affects NKX2-1 function (PMID: 18957494). This variant disrupts the p.Ile207 amino acid residue in NKX2-1. Other variant(s) that disrupt this residue have been observed in individuals with NKX2-1-related conditions (PMID: 23361500), which suggests that this may be a clinically significant amino acid residue. In summary, the currently available evidence indicates that the variant is pathogenic, but additional data are needed to prove that conclusively. Therefore, this variant has been classified as Likely Pathogenic.

Literature cited by the submitters: PubMed 18957494; PubMed 23361500.

NM_001079668.3(NKX2-1):c.709A>T (p.Ile237Phe)

Genes: NKX2-1 (NK2 homeobox 1; minus strand), SFTA3 (surfactant associated 3; minus strand). Cytogenetic location: 14q13.3.
Variant type: single nucleotide variant.
Coding change: c.709A>T on transcript NM_001079668.3 (MANE Select); coding-DNA position 709, A replaced by T.
Protein change: p.Ile237Phe; replaces isoleucine 237 with phenylalanine.
Molecular consequence: missense variant.
Genome position (GRCh38, 1-based): chr14:36,517,775, T>A on the plus strand (A>T on the coding strand, the complement: NKX2-1 is on the minus strand). VCF-style: chr14-36517775-T-A. GRCh37 (hg19) VCF-style: chr14-36986980-T-A.
Other names: c.619A>T, p.Ile207Phe (NM_003317.4); short protein forms I237F, I207F.
Identifiers: ClinVar variation 3721485 (VCV003721485.2).